The following is an entry in ClinVar:

ClinVar aggregate classification (germline): Likely pathogenic. Review status: criteria provided, single submitter (1 of 4 stars). 2 submissions from 1 submitter: Likely pathogenic (2). Last evaluated 2021-06-10.

Conditions:
Nicolaides-Baraitser syndrome (NCBRS). Also called: SMARCA2-Related Nicolaides-Baraitser Syndrome; Intellectual disability-sparse hair-brachydactyly syndrome. Identifiers: Orphanet 3051, MedGen C1303073, MONDO:0011053, OMIM 601358.
SMARCA2-related BAFopathy.

Submissions (2):

Baylor Genetics
Classification: Likely pathogenic for SMARCA2-related BAFopathy. Last evaluated: 2021-06-10. Review status: criteria provided, single submitter. Criteria: ACMG Guidelines, 2015. Collection method: clinical testing. Allele origin: de novo. Affected: yes.

Baylor Genetics
Classification: Likely pathogenic for Nicolaides-Baraitser syndrome. Last evaluated: 2018-04-18. Review status: criteria provided, single submitter. Criteria: ACMG Guidelines, 2015. Collection method: clinical testing. Allele origin: de novo. Affected: yes.
Comment: This variant was determined to be likely pathogenic according to ACMG Guidelines, 2015 [PMID:25741868].

NM_003070.5(SMARCA2):c.2254G>A (p.Gly752Arg)

Gene: SMARCA2 (SWI/SNF related BAF chromatin remodeling complex subunit ATPase 2; plus strand). Cytogenetic location: 9p24.3.
Variant type: single nucleotide variant.
Coding change: c.2254G>A on transcript NM_003070.5 (MANE Select); coding-DNA position 2254, G replaced by A.
Protein change: p.Gly752Arg; replaces glycine 752 with arginine.
Molecular consequence: missense variant.
Genome position (GRCh38, 1-based): chr9:2,081,901, G>A. VCF-style: chr9-2081901-G-A. GRCh37 (hg19) VCF-style: chr9-2081901-G-A.
Other names: c.2254G>A, p.Gly752Arg (NM_001289396.2, NM_001289397.2, NM_139045.4); short protein forms G752R.
Identifiers: ClinVar variation 1032869 (VCV001032869.2), dbSNP rs1821581008, ClinGen allele CA372784142.